The following is an entry in ClinVar:

NM_001081.4(CUBN):c.5518G>A (p.Gly1840Ser)

Gene: CUBN (cubilin; minus strand). Cytogenetic location: 10p13.
Variant type: single nucleotide variant.
Coding change: c.5518G>A on transcript NM_001081.4 (MANE Select); coding-DNA position 5518, G replaced by A.
Protein change: p.Gly1840Ser; replaces glycine 1840 with serine.
Molecular consequence: missense variant.
Genome position (GRCh38, 1-based): chr10:16,940,062, C>T on the plus strand (G>A on the coding strand, the complement: CUBN is on the minus strand). VCF-style: chr10-16940062-C-T. GRCh37 (hg19) VCF-style: chr10-16982061-C-T.
Other names: short protein forms G1840S.
Identifiers: ClinVar variation 299459 (VCV000299459.31), dbSNP rs2271462, ClinGen allele CA5423990.

ClinVar aggregate classification (germline): Benign. Review status: criteria provided, multiple submitters, no conflicts (2 of 4 stars). 7 submissions from 7 submitters: Benign (7). Last evaluated 2026-02-02.

Conditions:
Imerslund-Grasbeck syndrome type 1 (IGS1). Also called: Megaloblastic anemia 1, Finnish type; MEGALOBLASTIC ANEMIA, 1; Imerslund-Gräsbeck syndrome 1. Identifiers: MedGen C4016819, MONDO:0100156, OMIM 261100.
Imerslund-Grasbeck syndrome. Also called: ENTEROCYTE COBALAMIN MALABSORPTION; ENTEROCYTE INTRINSIC FACTOR RECEPTOR, DEFECT OF; Imerslund-Gräsbeck syndrome; PERNICIOUS ANEMIA, JUVENILE, DUE TO SELECTIVE INTESTINAL MALABSORPTION OF VITAMIN B12, WITH PROTEINURIA; Megaloblastic anemia due to inborn errors of metabolism. Identifiers: Orphanet 35858, MedGen C4551825, MONDO:0009853.

Allele frequency attached by ClinVar (database versions not stated): gnomAD exomes 0.03261 and 0.07662; ESP Exome Variant Server 0.05728; ExAC 0.06931; gnomAD 0.07179 and 0.07196; TOPMed 0.08954; 1000 Genomes Project 0.11761; 1000 Genomes Project 30x 0.12320.
gnomAD v4.1: 58,845 of 1,613,878 alleles (3.6%); highest among the groups gnomAD compares: Admixed American, 24%; 3,840 homozygotes.

Submissions (7):

Labcorp Genetics (formerly Invitae), Labcorp
Classification: Benign for Imerslund-Grasbeck syndrome. Last evaluated: 2026-02-02. Review status: criteria provided, single submitter. Criteria: Invitae Variant Classification Sherloc (09022015). Collection method: clinical testing. Allele origin: germline.

ARUP Laboratories, Molecular Genetics and Genomics, ARUP Laboratories
Classification: Benign. Last evaluated: 2025-06-03. Review status: criteria provided, single submitter. Criteria: ARUP Molecular Germline Variant Investigation Process 2024. Collection method: clinical testing. Allele origin: germline.

Mayo Clinic Laboratories, Mayo Clinic
Classification: Benign. Last evaluated: 2024-12-31. Review status: criteria provided, single submitter. Criteria: ACMG Guidelines, 2015. Collection method: clinical testing. Allele origin: germline. Observed: 32 variant alleles.
Comment: BA1, BP4

Blueprint Genetics
Classification: Benign. Last evaluated: 2024-11-27. Review status: criteria provided, single submitter. Criteria: ACMG Guidelines, 2015. Collection method: clinical testing. Allele origin: germline.

GeneDx
Classification: Benign. Last evaluated: 2018-07-07. Review status: criteria provided, single submitter. Criteria: GeneDx Variant Classification Process June 2021. Collection method: clinical testing. Allele origin: germline. Affected: yes.
Comment: This variant is associated with the following publications: (PMID: 25349199)

Illumina Laboratory Services, Illumina
Classification: Benign for Imerslund-Grasbeck syndrome type 1. Last evaluated: 2018-01-13. Review status: criteria provided, single submitter. Criteria: ICSL Variant Classification Criteria 13 December 2019. Collection method: clinical testing. Allele origin: germline.
Comment: This variant was observed in the ICSL laboratory as part of a predisposition screen in an ostensibly healthy population. It had not been previously curated by ICSL or reported in the Human Gene Mutation Database (HGMD: prior to June 1st, 2018), and was therefore a candidate for classification through an automated scoring system. Utilizing variant allele frequency, disease prevalence and penetrance estimates, and inheritance mode, an automated score was calculated to assess if this variant is too frequent to cause the disease. Based on the score and internal cut-off values, a variant classified as benign is not then subjected to further curation. The score for this variant resulted in a classification of benign for this disease.

Breakthrough Genomics
Classification: Benign. Review status: criteria provided, single submitter. Criteria: ACMG Guidelines, 2015. Collection method: not provided. Allele origin: germline. Inheritance: Autosomal recessive inheritance. Affected: yes.